The following is an entry in ClinVar:

ClinVar aggregate classification (germline): Uncertain significance (1 of 4 stars; one submission).

Submission:

Labcorp Genetics (formerly Invitae), Labcorp
Classification: Uncertain significance. Last evaluated: 2022-06-11. Review status: criteria provided, single submitter. Criteria: Invitae Variant Classification Sherloc (09022015). Collection method: clinical testing. Allele origin: germline.
Comment: In summary, the available evidence is currently insufficient to determine the role of this variant in disease. Therefore, it has been classified as a Variant of Uncertain Significance. Algorithms developed to predict the effect of missense changes on protein structure and function (SIFT, PolyPhen-2, Align-GVGD) all suggest that this variant is likely to be tolerated. This variant has not been reported in the literature in individuals affected with MECOM-related conditions. This variant is not present in population databases (gnomAD no frequency). This sequence change replaces isoleucine, which is neutral and non-polar, with threonine, which is neutral and polar, at codon 189 of the MECOM protein (p.Ile189Thr).

NM_004991.4(MECOM):c.1130T>C (p.Ile377Thr)

Gene: MECOM (MDS1 and EVI1 complex locus; minus strand). Cytogenetic location: 3q26.2.
Variant type: single nucleotide variant.
Coding change: c.1130T>C on transcript NM_004991.4 (MANE Select); coding-DNA position 1130, T replaced by C.
Protein change: p.Ile377Thr; replaces isoleucine 377 with threonine.
Molecular consequence: missense variant.
Genome position (GRCh38, 1-based): chr3:169,121,058, A>G on the plus strand (T>C on the coding strand, the complement: MECOM is on the minus strand). VCF-style: chr3-169121058-A-G. GRCh37 (hg19) VCF-style: chr3-168838846-A-G.
Other names: c.761T>C, p.Ile254Thr (NM_001105077.4); c.566T>C, p.Ile189Thr (NM_001105078.4, NM_001164000.2, NM_001205194.2 and 5 more transcripts); c.569T>C, p.Ile190Thr (NM_001163999.2, NM_001366467.2, NM_001366468.2 and 1 more transcripts); c.1130T>C, p.Ile377Thr (NM_001366466.2, NM_001366473.2); short protein forms I254T, I377T, I189T, I190T.
Identifiers: ClinVar variation 2004769 (VCV002004769.4), dbSNP rs2549444337, ClinGen allele CA355065997.